The following is an entry in ClinVar:

NM_000069.3(CACNA1S):c.3830T>C (p.Leu1277Pro)

Gene: CACNA1S (calcium voltage-gated channel subunit alpha1 S; minus strand). Cytogenetic location: 1q32.1.
Variant type: single nucleotide variant.
Coding change: c.3830T>C on transcript NM_000069.3 (MANE Select); coding-DNA position 3830, T replaced by C.
Protein change: p.Leu1277Pro; replaces leucine 1277 with proline.
Molecular consequence: missense variant.
Genome position (GRCh38, 1-based): chr1:201,053,240, A>G on the plus strand (T>C on the coding strand, the complement: CACNA1S is on the minus strand). VCF-style: chr1-201053240-A-G. GRCh37 (hg19) VCF-style: chr1-201022368-A-G.
Other names: short protein forms L1277P.
Identifiers: ClinVar variation 3070176 (VCV003070176.1), dbSNP rs2464458742, ClinGen allele CA344153455.
Genomic context (GRCh38, chr1:201,053,240, plus strand): 5'-GCTTTGGCCTGGGCCCGCCTGCCTCTCACCTGCATGCCGATGACAGCGTAGATGAAGAAG[A>G]GCATGACGATGAGCAGAGCCACGTAGGGTAGGGCCTGCAGGGCGGGCGGGAGCGCCAGTC-3'
Protein context (NP_000060.2, residues 1267-1287): LPYVALLIVM[Leu1277Pro]FFIYAVIGMQ

ClinVar aggregate classification (germline): Uncertain significance (1 of 4 stars; one submission).

Conditions:
Malignant hyperthermia, susceptibility to, 5 (MHS5). Also called: CACNA1S-Related Malignant Hyperthermia Susceptibility. Identifiers: Orphanet 423, MedGen C1866077, MONDO:0011163, OMIM 601887.

Submission:

All of Us Research Program, National Institutes of Health
Classification: Uncertain significance for Malignant hyperthermia, susceptibility to, 5. Last evaluated: 2023-04-03. Review status: criteria provided, single submitter. Criteria: ACMG Guidelines, 2015. Collection method: clinical testing. Allele origin: germline. Inheritance: Autosomal dominant inheritance. Observed: 1 variant allele, 1 heterozygote.
Comment: This missense variant replaces leucine with proline at codon 1277 of the CACNA1S protein. Computational prediction suggests that this variant may have deleterious impact on protein structure and function (internally defined REVEL score threshold >= 0.7, PMID: 27666373). To our knowledge, functional studies have not been reported for this variant. This variant has not been reported in individuals affected with CACNA1S-related disorders in the literature. This variant has not been identified in the general population by the Genome Aggregation Database (gnomAD). The available evidence is insufficient to determine the role of this variant in disease conclusively. Therefore, this variant is classified as a Variant of Uncertain Significance.

This study involves interpretation of variants in research participants for the purpose of population health screening. Participant phenotype was not available at the time of variant classification. Additional details can be found in publication PMID: 35346344, PMCID: PMC8962531